The following is an entry in ClinVar:

NM_016239.4(MYO15A):c.1323G>C (p.Ala441=)

Gene: MYO15A (myosin XVA; plus strand). Cytogenetic location: 17p11.2.
Variant type: single nucleotide variant.
Coding change: c.1323G>C on transcript NM_016239.4 (MANE Select); coding-DNA position 1323, G replaced by C.
Protein change: p.Ala441=; no amino-acid change (alanine 441 retained).
Molecular consequence: synonymous variant.
Genome position (GRCh38, 1-based): chr17:18,120,123, G>C. VCF-style: chr17-18120123-G-C. GRCh37 (hg19) VCF-style: chr17-18023437-G-C.
Other names: c.1323G>C (NM_016239.3).
Identifiers: ClinVar variation 2975864 (VCV002975864.5), dbSNP rs376905344, ClinGen allele CA8423072.
Genomic context (GRCh38, chr17:18,120,123, plus strand): 5'-CCACAACCCGTATGCCCACGCCATGGATGACATCGCCGAGCTGGAGGAACCAGAGGACGC[G>C]GGCGTAGAGCGTCAGGGGACCTCCTTCCGCCTGCCCAGCGCCGCCTTCTTCGAGCAGCAA-3'
Protein context (NP_057323.3, residues 431-451): DIAELEEPED[Ala441=]GVERQGTSFR

ClinVar aggregate classification (germline): Likely benign. Review status: criteria provided, single submitter (1 of 4 stars). 2 submissions from 2 submitters: Likely benign (1). 1 of the submissions does not count toward it. Last evaluated 2025-07-09.

Conditions:
MYO15A-related disorder. Also called: MYO15A-related condition.

Allele frequency attached by ClinVar (database versions not stated): ESP Exome Variant Server 0.00016.
gnomAD v4.1: 23 of 1,612,650 alleles (0.0014%); highest among the groups gnomAD compares: African/African-American, 0.028%; no homozygotes.

Submissions (2):

Labcorp Genetics (formerly Invitae), Labcorp
Classification: Likely benign. Last evaluated: 2025-07-09. Review status: criteria provided, single submitter. Criteria: Invitae Variant Classification Sherloc (09022015). Collection method: clinical testing. Allele origin: germline.

PreventionGenetics, part of Exact Sciences
Classification: Likely benign for MYO15A-related condition. Last evaluated: 2021-01-28. Review status: no assertion criteria provided. Collection method: clinical testing. Allele origin: germline. Not counted in ClinVar's aggregate classification.
Comment: This variant is classified as likely benign based on ACMG/AMP sequence variant interpretation guidelines (Richards et al. 2015 PMID: 25741868, with internal and published modifications).